The following is an entry in ClinVar:

ClinVar aggregate classification (germline): Conflicting classifications of pathogenicity. Review status: criteria provided, conflicting classifications (1 of 4 stars). 2 submissions from 2 submitters: Uncertain significance (1); Likely benign (1). Last evaluated 2025-12-01.

Allele frequency attached by ClinVar (database versions not stated): TOPMed below 0.00001; gnomAD exomes 0.00001 and 0.00002; ExAC 0.00002; gnomAD 0.00003 and 0.00004; 1000 Genomes Project 30x 0.00016; 1000 Genomes Project 0.00020.
gnomAD v4.1: 36 of 1,614,160 alleles (0.0022%); highest among the groups gnomAD compares: African/African-American, 0.031%; no homozygotes.

Submissions (2):

Labcorp Genetics (formerly Invitae), Labcorp
Classification: Likely benign. Last evaluated: 2025-12-01. Review status: criteria provided, single submitter. Criteria: Invitae Variant Classification Sherloc (09022015). Collection method: clinical testing. Allele origin: germline.

GeneDx
Classification: Uncertain significance. Last evaluated: 2019-07-19. Review status: criteria provided, single submitter. Criteria: GeneDx Variant Classification Process June 2021. Collection method: clinical testing. Allele origin: germline. Affected: yes.
Comment: Has not been previously published as pathogenic or benign to our knowledge; Observed in 2/17244 (0.0116%) alleles from individuals of East Asian background, in large population cohorts (Lek et al., 2016); In silico analysis, which includes protein predictors and evolutionary conservation, supports that this variant does not alter protein structure/function

NM_001457.4(FLNB):c.1249G>A (p.Val417Met)

Gene: FLNB (filamin B; plus strand). Cytogenetic location: 3p14.3.
Variant type: single nucleotide variant.
Coding change: c.1249G>A on transcript NM_001457.4 (MANE Select); coding-DNA position 1249, G replaced by A.
Protein change: p.Val417Met; replaces valine 417 with methionine.
Molecular consequence: missense variant.
Genome position (GRCh38, 1-based): chr3:58,098,812, G>A. VCF-style: chr3-58098812-G-A. GRCh37 (hg19) VCF-style: chr3-58084539-G-A.
Other names: c.1249G>A, p.Val417Met (NM_001164317.2, NM_001164318.2, NM_001164319.2); short protein forms V417M.
Identifiers: ClinVar variation 1041138 (VCV001041138.7), dbSNP rs146583950, ClinGen allele CA2467748.